The following is an entry in ClinVar:

NM_032444.4(SLX4):c.1163+2dup

Gene: SLX4 (SLX4 structure-specific endonuclease subunit; minus strand). Cytogenetic location: 16p13.3.
Variant type: Duplication.
Coding change: c.1163+2dup on transcript NM_032444.4 (MANE Select); the canonical splice donor site of the intron after coding-DNA position 1163, one base duplicated (T; older notation c.1163+2dupT).
Molecular consequence: splice donor variant.
Genome position (GRCh38, 1-based): chr16:3,600,977, A duplicated on the plus strand (T on the coding strand, the reverse complement: SLX4 is on the minus strand). VCF-style (leftmost placement, unchanged base first): chr16-3600976-T-TA. GRCh37 (hg19) VCF-style: chr16-3650977-T-TA.
Identifiers: ClinVar variation 1179203 (VCV001179203.30), dbSNP rs2040719850, ClinGen allele CA2202851911.

ClinVar aggregate classification (germline): Pathogenic/Likely pathogenic. Review status: criteria provided, multiple submitters, no conflicts (2 of 4 stars). 4 submissions from 4 submitters: Pathogenic (2); Likely pathogenic (1). 1 of the submissions does not count toward it. Last evaluated 2025-07-23.

Conditions:
Fanconi anemia (FA). Also called: Fanconi's anemia. Identifiers: Orphanet 84, MedGen C0015625, MeSH D005199, MONDO:0019391.
Fanconi anemia complementation group P. Also called: SLX4-Related Fanconi Anemia. Identifiers: Orphanet 84, MedGen C3469542, MONDO:0013499, OMIM 613951.

Allele frequency attached by ClinVar (database versions not stated): gnomAD exomes below 0.00001; TOPMed below 0.00001.

Submissions (4):

Labcorp Genetics (formerly Invitae), Labcorp
Classification: Pathogenic for Fanconi anemia. Last evaluated: 2025-07-23. Review status: criteria provided, single submitter. Criteria: Invitae Variant Classification Sherloc (09022015). Collection method: clinical testing. Allele origin: germline.
Comment: This sequence change falls in intron 5 of the SLX4 gene. It does not directly change the encoded amino acid sequence of the SLX4 protein. RNA analysis indicates that this variant induces altered splicing and likely results in a shortened protein product. This variant is not present in population databases (gnomAD no frequency). This variant has been observed in individual(s) with clinical features of Fanconi anemia (PMID: 21240277). In at least one individual the data is consistent with being in trans (on the opposite chromosome) from a pathogenic variant. It has also been observed to segregate with disease in related individuals. This variant is also known as c.1163+3dupT. ClinVar contains an entry for this variant (Variation ID: 1179203). Variants that disrupt the consensus splice site are a relatively common cause of aberrant splicing (PMID: 17576681, 9536098). Studies have shown that this variant results in skipping of exon 5, but is expected to preserve the integrity of the reading-frame (PMID: 21240277). For these reasons, this variant has been classified as Pathogenic.

Fulgent Genetics
Classification: Pathogenic for Fanconi anemia complementation group P. Last evaluated: 2024-04-04. Review status: criteria provided, single submitter. Criteria: ACMG Guidelines, 2015. Collection method: clinical testing. Allele origin: germline.

CeGaT Center for Human Genetics Tuebingen
Classification: Likely pathogenic. Last evaluated: 2024-02-01. Review status: criteria provided, single submitter. Criteria: CeGaT Center For Human Genetics Tuebingen Variant Classification Criteria Version 2. Collection method: clinical testing. Allele origin: germline. Affected: yes. Observed: 1 variant allele.
Comment: SLX4: PM2, PM3, PP1:Moderate, PP3, PS3:Supporting

OMIM
Classification: Pathogenic for FANCONI ANEMIA, COMPLEMENTATION GROUP P. Last evaluated: 2011-02-01. Review status: no assertion criteria provided. Collection method: literature only. Allele origin: germline. Not counted in ClinVar's aggregate classification.

Literature cited by the submitters: PubMed 21240277 (cited by Labcorp Genetics (formerly Invitae), Labcorp and OMIM); PubMed 17576681 (cited by Labcorp Genetics (formerly Invitae), Labcorp); PubMed 9536098 (cited by Labcorp Genetics (formerly Invitae), Labcorp).